The following is an entry in ClinVar:

ClinVar aggregate classification (germline): Likely benign (1 of 4 stars; one submission).

gnomAD v4.1: 61 of 1,609,600 alleles (0.0038%); highest among the groups gnomAD compares: Non-Finnish European, 0.005%; no homozygotes.

Submission:

CeGaT Center for Human Genetics Tuebingen
Classification: Likely benign. Last evaluated: 2024-07-01. Review status: criteria provided, single submitter. Criteria: CeGaT Center For Human Genetics Tuebingen Variant Classification Criteria Version 2. Collection method: clinical testing. Allele origin: germline. Affected: yes. Observed: 1 variant allele.
Comment: NUP188: BP4, BP7

NM_015354.3(NUP188):c.4431C>T (p.Ile1477=)

Gene: NUP188 (nucleoporin 188; plus strand). Cytogenetic location: 9q34.11.
Variant type: single nucleotide variant.
Coding change: c.4431C>T on transcript NM_015354.3 (MANE Select); coding-DNA position 4431, C replaced by T.
Protein change: p.Ile1477=; no amino-acid change (isoleucine 1477 retained).
Molecular consequence: synonymous variant.
Genome position (GRCh38, 1-based): chr9:129,003,451, C>T. VCF-style: chr9-129003451-C-T. GRCh37 (hg19) VCF-style: chr9-131765730-C-T.
Identifiers: ClinVar variation 3257016 (VCV003257016.17).